The following is an entry in ClinVar:

NM_001408.3(CELSR2):c.5236G>A (p.Gly1746Arg)

Gene: CELSR2 (cadherin EGF LAG seven-pass G-type receptor 2; plus strand). Cytogenetic location: 1p13.3.
Variant type: single nucleotide variant.
Coding change: c.5236G>A on transcript NM_001408.3 (MANE Select); coding-DNA position 5236, G replaced by A.
Protein change: p.Gly1746Arg; replaces glycine 1746 with arginine.
Molecular consequence: missense variant.
Genome position (GRCh38, 1-based): chr1:109,264,312, G>A. VCF-style: chr1-109264312-G-A. GRCh37 (hg19) VCF-style: chr1-109806934-G-A.
Other names: short protein forms G1746R.
Identifiers: ClinVar variation 2958274 (VCV002958274.3), dbSNP rs374525234, ClinGen allele CA987467.

ClinVar aggregate classification (germline): Uncertain significance (1 of 4 stars; one submission).

Allele frequency attached by ClinVar (database versions not stated): ExAC 0.00001; gnomAD exomes 0.00001; TOPMed 0.00001; ESP Exome Variant Server 0.00008.

Submission:

Labcorp Genetics (formerly Invitae), Labcorp
Classification: Uncertain significance. Last evaluated: 2023-08-23. Review status: criteria provided, single submitter. Criteria: Invitae Variant Classification Sherloc (09022015). Collection method: clinical testing. Allele origin: germline.
Comment: This variant is present in population databases (rs374525234, gnomAD 0.0009%). In summary, the available evidence is currently insufficient to determine the role of this variant in disease. Therefore, it has been classified as a Variant of Uncertain Significance. Advanced modeling of protein sequence and biophysical properties (such as structural, functional, and spatial information, amino acid conservation, physicochemical variation, residue mobility, and thermodynamic stability) has been performed at Invitae for this missense variant, however the output from this modeling did not meet the statistical confidence thresholds required to predict the impact of this variant on CELSR2 protein function. This variant has not been reported in the literature in individuals affected with CELSR2-related conditions. This sequence change replaces glycine, which is neutral and non-polar, with arginine, which is basic and polar, at codon 1746 of the CELSR2 protein (p.Gly1746Arg).